The following is an entry in ClinVar:

ClinVar aggregate classification (germline): Likely benign. Review status: criteria provided, multiple submitters, no conflicts (2 of 4 stars). 3 submissions from 3 submitters: Likely benign (3). Last evaluated 2023-08-30.

Conditions:
Hereditary cancer-predisposing syndrome. Also called: Tumor predisposition; Neoplastic Syndromes, Hereditary; Hereditary Cancer Syndrome; Hereditary neoplastic syndrome. Identifiers: Orphanet 140162, MedGen C0027672, MeSH D009386, MONDO:0015356.
Hereditary breast ovarian cancer syndrome. Also called: Breast and ovarian cancer; BRCA1- and BRCA2-Associated Hereditary Breast and Ovarian Cancer; Hereditary breast and ovarian cancer syndrome; Hereditary breast and/or ovarian cancer syndrome; Hereditary breast and ovarian cancer; Hereditary breast and ovarian cancer syndrome (HBOC). Identifiers: Orphanet 145, MedGen C0677776, MeSH D061325, MONDO:0003582. Disease mechanism: loss of function.

Submissions (3):

Labcorp Genetics (formerly Invitae), Labcorp
Classification: Likely benign for Hereditary breast ovarian cancer syndrome. Last evaluated: 2023-08-30. Review status: criteria provided, single submitter. Criteria: Invitae Variant Classification Sherloc (09022015). Collection method: clinical testing. Allele origin: germline.

Ambry Genetics
Classification: Likely benign for Hereditary cancer-predisposing syndrome. Last evaluated: 2022-05-26. Review status: criteria provided, single submitter. Criteria: Ambry Variant Classification Scheme 2023. Collection method: clinical testing. Allele origin: germline.

GeneDx
Classification: Likely benign. Last evaluated: 2018-11-03. Review status: criteria provided, single submitter. Criteria: GeneDx Variant Classification Process June 2021. Collection method: clinical testing. Allele origin: germline. Affected: yes.
Comment: See Variant Classification Assertion Criteria.

NM_007294.4(BRCA1):c.2238C>T (p.Asp746=)

Gene: BRCA1 (BRCA1 DNA repair associated; minus strand). Cytogenetic location: 17q21.31.
Variant type: single nucleotide variant.
Coding change: c.2238C>T on transcript NM_007294.4 (MANE Select); coding-DNA position 2238, C replaced by T.
Protein change: p.Asp746=; no amino-acid change (aspartic acid 746 retained).
Molecular consequence: synonymous variant. On other transcripts: intron variant (137).
Genome position (GRCh38, 1-based): chr17:43,093,293, G>A on the plus strand (C>T on the coding strand, the complement: BRCA1 is on the minus strand). VCF-style: chr17-43093293-G-A. GRCh37 (hg19) VCF-style: chr17-41245310-G-A.
Other names: c.2025C>T, p.Asp675= (NM_001407571.1, NM_001407853.1, NM_001407894.1 and 9 more transcripts); c.2238C>T, p.Asp746= (NM_001407581.1, NM_001407582.1, NM_001407583.1 and 30 more transcripts); c.2235C>T, p.Asp745= (NM_001407587.1, NM_001407590.1, NM_001407591.1 and 22 more transcripts); c.2229C>T, p.Asp743= (NM_001407646.1, NM_001407647.1); c.2115C>T, p.Asp705= (NM_001407648.1, NM_001407664.1, NM_001407665.1 and 19 more transcripts); c.2112C>T, p.Asp704= (NM_001407649.1, NM_001407670.1, NM_001407671.1 and 11 more transcripts); c.2160C>T, p.Asp720= (NM_001407653.1, NM_001407654.1, NM_001407655.1 and 4 more transcripts); c.2157C>T, p.Asp719= (NM_001407659.1, NM_001407660.1, NM_001407661.1 and 1 more transcripts); and 41 more.
Identifiers: ClinVar variation 1158748 (VCV001158748.14), dbSNP rs786202757, ClinGen allele CA500233220.